The following is an entry in ClinVar:

ClinVar aggregate classification (germline): Likely benign (1 of 4 stars; one submission).

gnomAD v4.1: 283 of 1,613,414 alleles (0.018%); highest among the groups gnomAD compares: Admixed American, 0.085%; no homozygotes.

Submission:

CeGaT Center for Human Genetics Tuebingen
Classification: Likely benign. Last evaluated: 2026-08-01. Review status: criteria provided, single submitter. Criteria: CeGaT Center For Human Genetics Tuebingen Variant Classification Criteria Version 2. Collection method: clinical testing. Allele origin: germline. Affected: yes. Observed: 1 variant allele.
Comment: PTRHD1: BP4, BP7

NM_001013663.2(PTRHD1):c.216C>G (p.Leu72=)

Genes: PTRHD1 (peptidyl-tRNA hydrolase domain containing 1; minus strand), LOC129933272 (ATAC-STARR-seq lymphoblastoid active region 15435; plus strand). Cytogenetic location: 2p23.3.
Variant type: single nucleotide variant.
Coding change: c.216C>G on transcript NM_001013663.2 (MANE Select); coding-DNA position 216, C replaced by G.
Protein change: p.Leu72=; no amino-acid change (leucine 72 retained).
Molecular consequence: synonymous variant.
Genome position (GRCh38, 1-based): chr2:24,793,162, G>C on the plus strand (C>G on the coding strand, the complement: PTRHD1 is on the minus strand). VCF-style: chr2-24793162-G-C. GRCh37 (hg19) VCF-style: chr2-25016031-G-C.
Identifiers: ClinVar variation 5038993 (VCV005038993.1).